The following is an entry in ClinVar:

ClinVar aggregate classification (germline): Uncertain significance (1 of 4 stars; one submission).

Conditions:
Hereditary motor and sensory neuropathy, Okinawa type (HMSNO). Also called: HEREDITARY MOTOR AND SENSORY NEUROPATHY, PROXIMAL TYPE. Identifiers: Orphanet 90117, MedGen C1858338, MONDO:0011468, OMIM 604484.
Hereditary spastic paraplegia 57. Also called: Spastic paraplegia 57, autosomal recessive. Identifiers: Orphanet 431329, MedGen C3714897, MONDO:0014295, OMIM 615658.

Submission:

Labcorp Genetics (formerly Invitae), Labcorp
Classification: Uncertain significance for Hereditary motor and sensory neuropathy, Okinawa type; Hereditary spastic paraplegia 57. Last evaluated: 2023-08-11. Review status: criteria provided, single submitter. Criteria: Invitae Variant Classification Sherloc (09022015). Collection method: clinical testing. Allele origin: germline.
Comment: In summary, the available evidence is currently insufficient to determine the role of this variant in disease. Therefore, it has been classified as a Variant of Uncertain Significance. Advanced modeling of protein sequence and biophysical properties (such as structural, functional, and spatial information, amino acid conservation, physicochemical variation, residue mobility, and thermodynamic stability) performed at Invitae indicates that this missense variant is expected to disrupt TFG protein function. This variant has not been reported in the literature in individuals affected with TFG-related conditions. This variant is not present in population databases (gnomAD no frequency). This sequence change replaces alanine, which is neutral and non-polar, with valine, which is neutral and non-polar, at codon 77 of the TFG protein (p.Ala77Val).

NM_006070.6(TFG):c.230C>T (p.Ala77Val)

Gene: TFG (trafficking from ER to golgi regulator; plus strand). Cytogenetic location: 3q12.2.
Variant type: single nucleotide variant.
Coding change: c.230C>T on transcript NM_006070.6 (MANE Select); coding-DNA position 230, C replaced by T.
Protein change: p.Ala77Val; replaces alanine 77 with valine.
Molecular consequence: missense variant.
Genome position (GRCh38, 1-based): chr3:100,720,020, C>T. VCF-style: chr3-100720020-C-T. GRCh37 (hg19) VCF-style: chr3-100438864-C-T.
Other names: c.230C>T, p.Ala77Val (NM_001007565.2, NM_001195478.2, NM_001195479.2); short protein forms A77V.
Identifiers: ClinVar variation 2949266 (VCV002949266.3), dbSNP rs2095056400, ClinGen allele CA353839302.